The following is an entry in ClinVar:

ClinVar aggregate classification (germline): Uncertain significance (1 of 4 stars; one submission).

Submission:

Labcorp Genetics (formerly Invitae), Labcorp
Classification: Uncertain significance. Last evaluated: 2021-05-06. Review status: criteria provided, single submitter. Criteria: Invitae Variant Classification Sherloc (09022015). Collection method: clinical testing. Allele origin: germline.
Comment: In summary, the available evidence is currently insufficient to determine the role of this variant in disease. Therefore, it has been classified as a Variant of Uncertain Significance. Nucleotide substitutions within the consensus splice site are a relatively common cause of aberrant splicing (PMID: 17576681, 9536098). Algorithms developed to predict the effect of sequence changes on RNA splicing suggest that this variant is not likely to affect RNA splicing, but this prediction has not been confirmed by published transcriptional studies. This variant has not been reported in the literature in individuals with COL9A3-related conditions. This variant is not present in population databases (ExAC no frequency). This sequence change falls in intron 14 of the COL9A3 gene. It does not directly change the encoded amino acid sequence of the COL9A3 protein. It affects a nucleotide within the consensus splice site of the intron.

Literature cited by the submitters: PubMed 17576681; PubMed 9536098.

NM_001853.4(COL9A3):c.739-3C>T

Gene: COL9A3 (collagen type IX alpha 3 chain; plus strand). Cytogenetic location: 20q13.33.
Variant type: single nucleotide variant.
Coding change: c.739-3C>T on transcript NM_001853.4 (MANE Select); 3 bases into the intron before coding-DNA position 739, C replaced by T.
Molecular consequence: intron variant.
Genome position (GRCh38, 1-based): chr20:62,826,764, C>T. VCF-style: chr20-62826764-C-T. GRCh37 (hg19) VCF-style: chr20-61458116-C-T.
Identifiers: ClinVar variation 1366208 (VCV001366208.6), dbSNP rs2147210575, ClinGen allele CA2573157277.